The following is an entry in ClinVar:

NM_003482.4(KMT2D):c.13699C>A (p.Pro4567Thr)

Gene: KMT2D (lysine methyltransferase 2D; minus strand). Cytogenetic location: 12q13.12.
Variant type: single nucleotide variant.
Coding change: c.13699C>A on transcript NM_003482.4 (MANE Select); coding-DNA position 13699, C replaced by A.
Protein change: p.Pro4567Thr; replaces proline 4567 with threonine.
Molecular consequence: missense variant.
Genome position (GRCh38, 1-based): chr12:49,030,741, G>T on the plus strand (C>A on the coding strand, the complement: KMT2D is on the minus strand). VCF-style: chr12-49030741-G-T. GRCh37 (hg19) VCF-style: chr12-49424524-G-T.
Other names: short protein forms P4567T.
Identifiers: ClinVar variation 3702263 (VCV003702263.2).
Genomic context (GRCh38, chr12:49,030,741, plus strand): 5'-CATTGACTGGGCAGCCACTGCCAAAGGGGGCAAAGAGGCTAAAATTGGCGGTGATAGCAG[G>T]CTCCGTTAGGGGCAGCAGGGACAGCTCCTACAAGGGGCAAGATGACAAAGTTCAAAACCT-3'
Protein context (NP_003473.3, residues 4557-4577): QELSLLPLTE[Pro4567Thr]AITANFSLFA

ClinVar aggregate classification (germline): Uncertain significance (1 of 4 stars; one submission).

Conditions:
Kabuki syndrome. Also called: Kabuki make-up syndrome; NIIKAWA-KUROKI SYNDROME. Identifiers: Orphanet 2322, MedGen C0796004, MONDO:0016512.

Submission:

Labcorp Genetics (formerly Invitae), Labcorp
Classification: Uncertain significance for Kabuki syndrome. Last evaluated: 2024-03-19. Review status: criteria provided, single submitter. Criteria: Invitae Variant Classification Sherloc (09022015). Collection method: clinical testing. Allele origin: germline.
Comment: This sequence change replaces proline, which is neutral and non-polar, with threonine, which is neutral and polar, at codon 4567 of the KMT2D protein (p.Pro4567Thr). This variant is not present in population databases (gnomAD no frequency). This variant has not been reported in the literature in individuals affected with KMT2D-related conditions. Advanced modeling of protein sequence and biophysical properties (such as structural, functional, and spatial information, amino acid conservation, physicochemical variation, residue mobility, and thermodynamic stability) has been performed at Invitae for this missense variant, however the output from this modeling did not meet the statistical confidence thresholds required to predict the impact of this variant on KMT2D protein function. In summary, the available evidence is currently insufficient to determine the role of this variant in disease. Therefore, it has been classified as a Variant of Uncertain Significance.